The following is an entry in ClinVar:

NM_000016.6(ACADM):c.321_322del (p.Leu107fs)

Gene: ACADM (acyl-CoA dehydrogenase medium chain; plus strand). Cytogenetic location: 1p31.1.
Variant type: Deletion.
Coding change: c.321_322del on transcript NM_000016.6 (MANE Select); coding-DNA positions 321 to 322, 2 bases deleted (AA; older notation c.321_322delAA).
Protein change: p.Leu107fs; shifts the reading frame from leucine 107.
Molecular consequence: frameshift variant. On other transcripts: intron variant (1).
Genome position (GRCh38, 1-based): chr1:75,733,562-75,733,563, AA deleted. VCF-style (leftmost placement, unchanged base first): chr1-75733561-TAA-T. GRCh37 (hg19) VCF-style: chr1-76199246-TAA-T.
Other names: c.333_334del, p.Leu111fs (NM_001127328.3); c.213_214del, p.Leu71fs (NM_001286042.2); c.420_421del, p.Leu140fs (NM_001286043.2); c.-100+640_-100+641del (NM_001286044.2); short protein forms L107fs, L111fs, L140fs, L71fs.
Identifiers: ClinVar variation 1724468 (VCV001724468.2), dbSNP rs2525578148, ClinGen allele CA2580063248.

ClinVar aggregate classification (germline): Likely pathogenic (1 of 4 stars; one submission).

Conditions:
Medium-chain acyl-coenzyme A dehydrogenase deficiency (ACADMD). Also called: ACADM DEFICIENCY; MCADH DEFICIENCY; MCAD Deficiency; MCADD; CARNITINE DEFICIENCY SECONDARY TO MEDIUM-CHAIN ACYL-CoA DEHYDROGENASE DEFICIENCY; Medium chain acyl-CoA dehydrogenase deficiency. Identifiers: Orphanet 42, MedGen C0220710, MONDO:0008721, OMIM 201450.

Submission:

Myriad Genetics, Inc.
Classification: Likely pathogenic for Medium-chain acyl-coenzyme A dehydrogenase deficiency. Last evaluated: 2022-02-17. Review status: criteria provided, single submitter. Criteria: Myriad Women's Health Autosomal Recessive and X-Linked Classification Criteria (2021). Collection method: clinical testing. Allele origin: unknown.
Comment: NM_000016.4(ACADM):c.321_322delAA(L107Ffs*2) is expected to be pathogenic in the context of medium chain acyl-CoA dehydrogenase deficiency. This variant is predicted to lead to an abnormal or absent protein product due to the creation of a premature termination codon in ACADM, a gene where loss-of-function variants are known to be pathogenic. Please note: this variant was assessed in the context of healthy population screening.